The following is an entry in ClinVar:

ClinVar aggregate classification (germline): Uncertain significance (0 of 4 stars; one submission).

Conditions:
NRXN1-related disorder.

Submission:

PreventionGenetics, part of Exact Sciences
Classification: Uncertain significance for NRXN1-related condition. Last evaluated: 2024-04-19. Review status: no assertion criteria provided. Collection method: clinical testing. Allele origin: germline.
Comment: The NRXN1 c.1408G>C variant is predicted to result in the amino acid substitution p.Val470Leu. To our knowledge, this variant has not been reported in the literature or in a large population database, indicating this variant is rare. At this time, the clinical significance of this variant is uncertain due to the absence of conclusive functional and genetic evidence.

NM_001330078.2(NRXN1):c.1288G>C (p.Val430Leu)

Gene: NRXN1 (neurexin 1; minus strand). Cytogenetic location: 2p16.3.
Variant type: single nucleotide variant.
Coding change: c.1288G>C on transcript NM_001330078.2 (MANE Select); coding-DNA position 1288, G replaced by C.
Protein change: p.Val430Leu; replaces valine 430 with leucine.
Molecular consequence: missense variant.
Genome position (GRCh38, 1-based): chr2:50,620,054, C>G on the plus strand (G>C on the coding strand, the complement: NRXN1 is on the minus strand). VCF-style: chr2-50620054-C-G. GRCh37 (hg19) VCF-style: chr2-50847192-C-G.
Other names: c.1408G>C, p.Val470Leu (NM_001135659.3); c.1264G>C, p.Val422Leu (NM_001330077.2, NM_001330082.2, NM_001330095.2); c.1249G>C, p.Val417Leu (NM_001330083.2, NM_001330084.2); c.1288G>C, p.Val430Leu (NM_001330085.2, NM_001330086.2, NM_004801.6); c.1204G>C, p.Val402Leu (NM_001330087.2, NM_001330096.2); c.1234G>C, p.Val412Leu (NM_001330088.2); c.1285G>C, p.Val429Leu (NM_001330093.2); c.1276G>C, p.Val426Leu (NM_001330094.2); short protein forms V402L, V412L, V417L, V422L, V426L, V429L, V430L, V470L.
Identifiers: ClinVar variation 3344809 (VCV003344809.1).